The following is an entry in ClinVar:

ClinVar aggregate classification (germline): Uncertain significance (1 of 4 stars; one submission).

Conditions:
Cornelia de Lange syndrome 1 (CDLS1). Also called: NIPBL-Related Cornelia de Lange Syndrome; TYPUS DEGENERATIVUS AMSTELODAMENSIS; Brachmann de Lange syndrome. Identifiers: Orphanet 199, MedGen C4551851, MONDO:0007387, OMIM 122470.

Allele frequency attached by ClinVar (database versions not stated): ExAC 0.00001.

Submission:

Victorian Clinical Genetics Services, Murdoch Childrens Research Institute
Classification: Uncertain significance for Cornelia de Lange syndrome 1. Last evaluated: 2021-05-06. Review status: criteria provided, single submitter. Criteria: ACMG Guidelines, 2015. Collection method: clinical testing. Allele origin: germline. Inheritance: Autosomal dominant inheritance. Affected: yes.
Comment: Based on the classification scheme VCGS_Germline_v1.3.4, this variant is classified as VUS-3B. Following criteria are met: 0102 - Loss of function is a known mechanism of disease in this gene and is associated with Cornelia de Lange syndrome 1 (MIM#122470). (I) 0107 - This gene is associated with autosomal dominant disease. (I) 0200 - Variant is predicted to result in a missense amino acid change from proline to alanine. (I) 0251 - This variant is heterozygous. (I) 0302 - Variant is present in gnomAD (v2) <0.001 for a dominant condition (1 heterozygote, 0 homozygotes). (SP) 0501 - Missense variant consistently predicted to be damaging by multiple in silico tools or highly conserved with a major amino acid change. (SP) 0604 - Variant is not located in an established domain, motif, hotspot or informative constraint region. (I) 0705 - No comparable missense variants have previous evidence for pathogenicity. (I) 0807 - This variant has no previous evidence of pathogenicity. (I) 0905 - No published segregation evidence has been identified for this variant. (I) 1007 - No published functional evidence has been identified for this variant. (I) 1208 - Inheritance information for this variant is not currently available in this individual. (I) Legend: (SP) - Supporting pathogenic, (I) - Information, (SB) - Supporting benign

NM_133433.4(NIPBL):c.4513C>G (p.Pro1505Ala)

Gene: NIPBL (NIPBL cohesin loading factor; plus strand). Cytogenetic location: 5p13.2.
Variant type: single nucleotide variant.
Coding change: c.4513C>G on transcript NM_133433.4 (MANE Select); coding-DNA position 4513, C replaced by G.
Protein change: p.Pro1505Ala; replaces proline 1505 with alanine.
Molecular consequence: missense variant.
Genome position (GRCh38, 1-based): chr5:37,010,178, C>G. VCF-style: chr5-37010178-C-G. GRCh37 (hg19) VCF-style: chr5-37010280-C-G.
Other names: c.4513C>G, p.Pro1505Ala (NM_015384.5); short protein forms P1505A.
Identifiers: ClinVar variation 1804973 (VCV001804973.1), dbSNP rs377211455, ClinGen allele CA3236567.